The following is an entry in ClinVar:

NM_000138.5(FBN1):c.6288C>T (p.Cys2096=)

Gene: FBN1 (fibrillin 1; minus strand). Cytogenetic location: 15q21.1.
Variant type: single nucleotide variant.
Coding change: c.6288C>T on transcript NM_000138.5 (MANE Select); coding-DNA position 6288, C replaced by T.
Protein change: p.Cys2096=; no amino-acid change (cysteine 2096 retained).
Molecular consequence: synonymous variant.
Genome position (GRCh38, 1-based): chr15:48,437,793, G>A on the plus strand (C>T on the coding strand, the complement: FBN1 is on the minus strand). VCF-style: chr15-48437793-G-A. GRCh37 (hg19) VCF-style: chr15-48729990-G-A.
Other names: p.C2096C:TGC>TGT; p.Cys2096=.
Identifiers: ClinVar variation 137310 (VCV000137310.73), dbSNP rs144822241, ClinGen allele CA016319.

ClinVar aggregate classification (germline): Benign/Likely benign. Review status: criteria provided, multiple submitters, no conflicts (2 of 4 stars). 13 submissions from 13 submitters: Benign (1); Likely benign (11). 1 of the submissions does not count toward it. Last evaluated 2026-09-01.

Conditions:
Marfan syndrome (MFS). Also called: Marfan syndrome, classic; FBN1-Related Marfan Syndrome; MARFAN SYNDROME, TYPE I; Marfan syndrome type 1; Marfan's syndrome. Identifiers: Orphanet 284963, Orphanet 558, MedGen C0024796, MONDO:0007947, OMIM 154700.
Familial thoracic aortic aneurysm and aortic dissection (TAAD). Also called: Thoracic aortic aneurysms and dissections. Identifiers: Orphanet 91387, MedGen C4707243, MONDO:0019625.
FBN1-related disorder. Also called: FBN1-related disorders.

Allele frequency attached by ClinVar (database versions not stated): ExAC 0.00003; ESP Exome Variant Server 0.00008; gnomAD exomes 0.00009; gnomAD 0.00014 and 0.00015; 1000 Genomes Project 30x 0.00016; TOPMed 0.00017; 1000 Genomes Project 0.00020.
gnomAD v4.1: 230 of 1,613,806 alleles (0.014%); highest among the groups gnomAD compares: African/African-American, 0.023%; no homozygotes.

Submissions (13):

CeGaT Center for Human Genetics Tuebingen
Classification: Likely benign. Last evaluated: 2026-09-01. Review status: criteria provided, single submitter. Criteria: CeGaT Center For Human Genetics Tuebingen Variant Classification Criteria Version 2. Collection method: clinical testing. Allele origin: germline. Affected: yes. Observed: 3 variant alleles.
Comment: FBN1: BP4, BP7

Labcorp Genetics (formerly Invitae), Labcorp
Classification: Likely benign for Marfan syndrome; Familial thoracic aortic aneurysm and aortic dissection. Last evaluated: 2026-01-01. Review status: criteria provided, single submitter. Criteria: Invitae Variant Classification Sherloc (09022015). Collection method: clinical testing. Allele origin: germline.

Mayo Clinic Laboratories, Mayo Clinic
Classification: Likely benign. Last evaluated: 2025-05-29. Review status: criteria provided, single submitter. Criteria: ACMG Guidelines, 2015. Collection method: clinical testing. Allele origin: germline. Observed: 1 variant allele.
Comment: BS1, BP4, BP7

Blueprint Genetics
Classification: Likely benign. Last evaluated: 2024-10-04. Review status: criteria provided, single submitter. Criteria: ACMG Guidelines, 2015. Collection method: clinical testing. Allele origin: germline.

Women's Health and Genetics/Laboratory Corporation of America, LabCorp
Classification: Likely benign. Last evaluated: 2022-03-19. Review status: criteria provided, single submitter. Criteria: LabCorp Variant Classification Summary - May 2015. Collection method: clinical testing. Allele origin: germline.

CHEO Genetics Diagnostic Laboratory, Children's Hospital of Eastern Ontario
Classification: Likely benign for Familial thoracic aortic aneurysm and aortic dissection. Last evaluated: 2021-10-01. Review status: criteria provided, single submitter. Criteria: ACMG Guidelines, 2015. Collection method: clinical testing. Allele origin: germline.

ARUP Laboratories, Molecular Genetics and Genomics, ARUP Laboratories
Classification: Likely benign. Last evaluated: 2019-03-30. Review status: criteria provided, single submitter. Criteria: ARUP Molecular Germline Variant Investigation Process. Collection method: clinical testing. Allele origin: germline.

Color Diagnostics, LLC DBA Color Health
Classification: Likely benign for Familial thoracic aortic aneurysm and aortic dissection. Last evaluated: 2018-11-08. Review status: criteria provided, single submitter. Criteria: ACMG Guidelines, 2015. Collection method: clinical testing. Allele origin: germline.

Genetic Services Laboratory, University of Chicago
Classification: Likely benign. Last evaluated: 2016-12-29. Review status: criteria provided, single submitter. Criteria: ACMG Guidelines, 2015. Collection method: clinical testing. Allele origin: germline. Affected: no.

Ambry Genetics
Classification: Likely benign for Familial thoracic aortic aneurysm and aortic dissection. Last evaluated: 2015-06-25. Review status: criteria provided, single submitter. Criteria: Ambry Variant Classification Scheme 2023. Collection method: clinical testing. Allele origin: germline.

GeneDx
Classification: Benign. Last evaluated: 2014-01-12. Review status: criteria provided, single submitter. Criteria: GeneDx Variant Classification (06012015). Collection method: clinical testing. Allele origin: germline. Affected: yes.
Comment: This variant is considered likely benign or benign based on one or more of the following criteria: it is a conservative change, it occurs at a poorly conserved position in the protein, it is predicted to be benign by multiple in silico algorithms, and/or has population frequency not consistent with disease.

Laboratory for Molecular Medicine, Mass General Brigham Personalized Medicine
Classification: Likely benign. Last evaluated: 2013-04-02. Review status: criteria provided, single submitter. Criteria: LMM Criteria. Collection method: clinical testing. Allele origin: germline. Observed: 1 variant allele.
Comment: Cys2096Cys in Exon 50 of FBN1: This variant is not expected to have clinical sig nificance because it does not alter the amino acid residue and is not located wi thin the splice consensus sequence. It has been identified in 0.02% (1/4396) of African American chromosomes from a large population by the NHLBI Exome Sequenci ng Project (dbSNP rs144822241).

PreventionGenetics, part of Exact Sciences
Classification: Likely benign for FBN1-related condition. Last evaluated: 2022-04-04. Review status: no assertion criteria provided. Collection method: clinical testing. Allele origin: germline. Not counted in ClinVar's aggregate classification.
Comment: This variant is classified as likely benign based on ACMG/AMP sequence variant interpretation guidelines (Richards et al. 2015 PMID: 25741868, with internal and published modifications).